The following is an entry in ClinVar:

NM_001042492.3(NF1):c.5269-38A>G

Gene: NF1 (neurofibromin 1; plus strand). Cytogenetic location: 17q11.2.
Variant type: single nucleotide variant.
Coding change: c.5269-38A>G on transcript NM_001042492.3 (MANE Select); 38 bases into the intron before coding-DNA position 5269, A replaced by G.
Molecular consequence: intron variant.
Genome position (GRCh38, 1-based): chr17:31,327,461, A>G. VCF-style: chr17-31327461-A-G. GRCh37 (hg19) VCF-style: chr17-29654479-A-G.
Other names: c.5206-38A>G (NM_000267.4).
Identifiers: ClinVar variation 1467882 (VCV001467882.12), dbSNP rs2151540615, ClinGen allele CA2573153392.

ClinVar aggregate classification (germline): Likely pathogenic. Review status: criteria provided, multiple submitters, no conflicts (2 of 4 stars). 5 submissions from 5 submitters: Likely pathogenic (5). Last evaluated 2026-06-01.

Conditions:
Neurofibromatosis, type 1 (NF1). Also called: VON RECKLINGHAUSEN DISEASE; Neurofibromatosis, type I; NEUROFIBROMATOSIS, TYPE I, SOMATIC; Peripheral type neurofibromatosis. Identifiers: Orphanet 636, MedGen C0027831, MONDO:0018975, OMIM 162200. Disease mechanism: loss of function.
Juvenile myelomonocytic leukemia (JMML). Also called: LEUKEMIA, JUVENILE MYELOMONOCYTIC, SOMATIC. Identifiers: Orphanet 86834, MedGen C0349639, MONDO:0011908, OMIM 607785, HP:0012209.

Submissions (5):

Myriad Genetics, Inc.
Classification: Likely pathogenic for Neurofibromatosis, type 1. Last evaluated: 2026-06-01. Review status: criteria provided, single submitter. Criteria: Myriad Autosomal Dominant, Autosomal Recessive and X-Linked Classification Criteria (2023). Collection method: clinical testing. Allele origin: unknown.
Comment: This variant is considered likely pathogenic. mRNA analysis has demonstrated abnormal mRNA splicing occurs [PMID: 27322474, 37186028]. This variant has been reported in multiple individuals with clinical features of gene-specific disease [PMID: 27322474, 37186028].

Labcorp Genetics (formerly Invitae), Labcorp
Classification: Likely pathogenic for Neurofibromatosis, type 1. Last evaluated: 2025-09-01. Review status: criteria provided, single submitter. Criteria: Invitae Variant Classification Sherloc (09022015). Collection method: clinical testing. Allele origin: germline.
Comment: This sequence change falls in intron 36 of the NF1 gene. It does not directly change the encoded amino acid sequence of the NF1 protein. This variant is not present in population databases (gnomAD no frequency). This variant has been observed in individual(s) with neurofibromatosis, type 1 (PMID: 27322474, 37186028). ClinVar contains an entry for this variant (Variation ID: 1467882). Algorithms developed to predict the effect of sequence changes on RNA splicing suggest that this variant is not likely to affect RNA splicing. In summary, the currently available evidence indicates that the variant is pathogenic, but additional data are needed to prove that conclusively. Therefore, this variant has been classified as Likely Pathogenic.

GeneDx
Classification: Likely pathogenic. Last evaluated: 2023-09-08. Review status: criteria provided, single submitter. Criteria: GeneDx Variant Classification Process June 2021. Collection method: clinical testing. Allele origin: germline. Affected: yes.
Comment: Published functional studies demonstrate a damaging effect: patient-derived cDNA demonstrated two aberrant transcripts both leading to a frameshift and premature truncation (Evans et al., 2016); Not observed at significant frequency in large population cohorts (gnomAD); This variant is associated with the following publications: (PMID: 27322474)

Baylor Genetics
Classification: Likely pathogenic for Juvenile myelomonocytic leukemia. Last evaluated: 2022-05-06. Review status: criteria provided, single submitter. Criteria: ACMG Guidelines, 2015. Collection method: clinical testing. Allele origin: unknown.

Department of Pathology and Laboratory Medicine, Sinai Health System
Classification: Likely pathogenic for neurofibromatosis type 1. Review status: criteria provided, single submitter. Criteria: ACMG Guidelines, 2015. Collection method: clinical testing. Allele origin: germline.

Literature cited by the submitters: PubMed 27322474 (cited by Myriad Genetics, Inc. and Labcorp Genetics (formerly Invitae), Labcorp); PubMed 37186028 (cited by Myriad Genetics, Inc. and Labcorp Genetics (formerly Invitae), Labcorp).